The following is an entry in ClinVar:

ClinVar aggregate classification (germline): Uncertain significance (1 of 4 stars; one submission).

Allele frequency attached by ClinVar (database versions not stated): gnomAD 0.00001; TOPMed below 0.00001.
gnomAD v4.1: 1 of 1,612,960 alleles (0.000062%); highest among the groups gnomAD compares: African/African-American, 0.0013%; no homozygotes.

Submission:

Labcorp Genetics (formerly Invitae), Labcorp
Classification: Uncertain significance. Last evaluated: 2025-10-07. Review status: criteria provided, single submitter. Criteria: Invitae Variant Classification Sherloc (09022015). Collection method: clinical testing. Allele origin: germline.
Comment: This sequence change replaces glycine, which is neutral and non-polar, with aspartic acid, which is acidic and polar, at codon 1682 of the TUBGCP6 protein (p.Gly1682Asp). This variant is not present in population databases (gnomAD no frequency). This variant has not been reported in the literature in individuals affected with TUBGCP6-related conditions. ClinVar contains an entry for this variant (Variation ID: 1483408). An algorithm developed to predict the effect of missense changes on protein structure and function (PolyPhen-2) suggests that this variant is likely to be disruptive. In summary, the available evidence is currently insufficient to determine the role of this variant in disease. Therefore, it has been classified as a Variant of Uncertain Significance.

NM_020461.4(TUBGCP6):c.5045G>A (p.Gly1682Asp)

Gene: TUBGCP6 (tubulin gamma complex component 6; minus strand). Cytogenetic location: 22q13.33.
Variant type: single nucleotide variant.
Coding change: c.5045G>A on transcript NM_020461.4 (MANE Select); coding-DNA position 5045, G replaced by A.
Protein change: p.Gly1682Asp; replaces glycine 1682 with aspartic acid.
Molecular consequence: missense variant.
Genome position (GRCh38, 1-based): chr22:50,218,312, C>T on the plus strand (G>A on the coding strand, the complement: TUBGCP6 is on the minus strand). VCF-style: chr22-50218312-C-T. GRCh37 (hg19) VCF-style: chr22-50656741-C-T.
Other names: short protein forms G1682D.
Identifiers: ClinVar variation 1483408 (VCV001483408.6), dbSNP rs2064452997, ClinGen allele CA412164436.